The following continues an entry in ClinVar:

NM_000204.5(CFI):c.1534+5G>T

Gene: CFI. ClinVar aggregate classification (germline): Benign/Likely benign. Benign (8); Likely benign (5).

Submissions 27 to 71 of 71:

Dr. Peter K. Rogan Lab, Western University
No classification provided (evidence only). Condition: Lung cancer. Review status: no classification provided. Collection method: in vitro. Allele origin: not applicable. Functional consequence: retained intron. Not counted in ClinVar's aggregate classification.

Dr. Peter K. Rogan Lab, Western University
No classification provided (evidence only). Condition: Lung cancer. Review status: no classification provided. Collection method: in vitro. Allele origin: not applicable. Functional consequence: retained intron. Not counted in ClinVar's aggregate classification.

Dr. Peter K. Rogan Lab, Western University
No classification provided (evidence only). Condition: Lung cancer. Review status: no classification provided. Collection method: in vitro. Allele origin: not applicable. Functional consequence: retained intron. Not counted in ClinVar's aggregate classification.

Dr. Peter K. Rogan Lab, Western University
No classification provided (evidence only). Condition: Lung cancer. Review status: no classification provided. Collection method: in vitro. Allele origin: not applicable. Functional consequence: retained intron. Not counted in ClinVar's aggregate classification.

Dr. Peter K. Rogan Lab, Western University
No classification provided (evidence only). Condition: Lung cancer. Review status: no classification provided. Collection method: in vitro. Allele origin: not applicable. Functional consequence: retained intron. Not counted in ClinVar's aggregate classification.

Dr. Peter K. Rogan Lab, Western University
No classification provided (evidence only). Condition: Lung cancer. Review status: no classification provided. Collection method: in vitro. Allele origin: not applicable. Functional consequence: retained intron. Not counted in ClinVar's aggregate classification.

Dr. Peter K. Rogan Lab, Western University
No classification provided (evidence only). Condition: Familial cancer of breast. Review status: no classification provided. Collection method: in vitro. Allele origin: not applicable. Functional consequence: retained intron. Not counted in ClinVar's aggregate classification.

Dr. Peter K. Rogan Lab, Western University
No classification provided (evidence only). Condition: Acute myeloid leukemia. Review status: no classification provided. Collection method: in vitro. Allele origin: not applicable. Functional consequence: retained intron. Not counted in ClinVar's aggregate classification.

Dr. Peter K. Rogan Lab, Western University
No classification provided (evidence only). Condition: Acute myeloid leukemia. Review status: no classification provided. Collection method: in vitro. Allele origin: not applicable. Functional consequence: retained intron. Not counted in ClinVar's aggregate classification.

Dr. Peter K. Rogan Lab, Western University
No classification provided (evidence only). Condition: Colon adenocarcinoma. Review status: no classification provided. Collection method: in vitro. Allele origin: not applicable. Functional consequence: retained intron. Not counted in ClinVar's aggregate classification.

Dr. Peter K. Rogan Lab, Western University
No classification provided (evidence only). Condition: Colon adenocarcinoma. Review status: no classification provided. Collection method: in vitro. Allele origin: not applicable. Functional consequence: retained intron. Not counted in ClinVar's aggregate classification.

Dr. Peter K. Rogan Lab, Western University
No classification provided (evidence only). Condition: Uterine corpus endometrial carcinoma. Review status: no classification provided. Collection method: in vitro. Allele origin: not applicable. Functional consequence: retained intron. Not counted in ClinVar's aggregate classification.

Dr. Peter K. Rogan Lab, Western University
No classification provided (evidence only). Condition: Uterine corpus endometrial carcinoma. Review status: no classification provided. Collection method: in vitro. Allele origin: not applicable. Functional consequence: retained intron. Not counted in ClinVar's aggregate classification.

Dr. Peter K. Rogan Lab, Western University
No classification provided (evidence only). Condition: Cervical cancer. Review status: no classification provided. Collection method: in vitro. Allele origin: not applicable. Functional consequence: retained intron. Not counted in ClinVar's aggregate classification.

Dr. Peter K. Rogan Lab, Western University
No classification provided (evidence only). Condition: Sarcoma. Review status: no classification provided. Collection method: in vitro. Allele origin: not applicable. Functional consequence: retained intron. Not counted in ClinVar's aggregate classification.

Dr. Peter K. Rogan Lab, Western University
No classification provided (evidence only). Condition: Sarcoma. Review status: no classification provided. Collection method: in vitro. Allele origin: not applicable. Functional consequence: retained intron. Not counted in ClinVar's aggregate classification.

Dr. Peter K. Rogan Lab, Western University
No classification provided (evidence only). Condition: Sarcoma. Review status: no classification provided. Collection method: in vitro. Allele origin: not applicable. Functional consequence: retained intron. Not counted in ClinVar's aggregate classification.

Dr. Peter K. Rogan Lab, Western University
No classification provided (evidence only). Condition: Thymoma. Review status: no classification provided. Collection method: in vitro. Allele origin: not applicable. Functional consequence: retained intron. Not counted in ClinVar's aggregate classification.

Dr. Peter K. Rogan Lab, Western University
No classification provided (evidence only). Condition: Thymoma. Review status: no classification provided. Collection method: in vitro. Allele origin: not applicable. Functional consequence: retained intron. Not counted in ClinVar's aggregate classification.

Dr. Peter K. Rogan Lab, Western University
No classification provided (evidence only). Condition: Ovarian serous cystadenocarcinoma. Review status: no classification provided. Collection method: in vitro. Allele origin: not applicable. Functional consequence: retained intron. Not counted in ClinVar's aggregate classification.

Dr. Peter K. Rogan Lab, Western University
No classification provided (evidence only). Condition: Ovarian serous cystadenocarcinoma. Review status: no classification provided. Collection method: in vitro. Allele origin: not applicable. Functional consequence: retained intron. Not counted in ClinVar's aggregate classification.

Dr. Peter K. Rogan Lab, Western University
No classification provided (evidence only). Condition: Ovarian serous cystadenocarcinoma. Review status: no classification provided. Collection method: in vitro. Allele origin: not applicable. Functional consequence: retained intron. Not counted in ClinVar's aggregate classification.

Dr. Peter K. Rogan Lab, Western University
No classification provided (evidence only). Condition: Ovarian serous cystadenocarcinoma. Review status: no classification provided. Collection method: in vitro. Allele origin: not applicable. Functional consequence: retained intron. Not counted in ClinVar's aggregate classification.

Dr. Peter K. Rogan Lab, Western University
No classification provided (evidence only). Condition: Ovarian serous cystadenocarcinoma. Review status: no classification provided. Collection method: in vitro. Allele origin: not applicable. Functional consequence: retained intron. Not counted in ClinVar's aggregate classification.

Dr. Peter K. Rogan Lab, Western University
No classification provided (evidence only). Condition: Ovarian serous cystadenocarcinoma. Review status: no classification provided. Collection method: in vitro. Allele origin: not applicable. Functional consequence: retained intron. Not counted in ClinVar's aggregate classification.

Dr. Peter K. Rogan Lab, Western University
No classification provided (evidence only). Condition: Ovarian serous cystadenocarcinoma. Review status: no classification provided. Collection method: in vitro. Allele origin: not applicable. Functional consequence: retained intron. Not counted in ClinVar's aggregate classification.

Dr. Peter K. Rogan Lab, Western University
No classification provided (evidence only). Condition: Ovarian serous cystadenocarcinoma. Review status: no classification provided. Collection method: in vitro. Allele origin: not applicable. Functional consequence: retained intron. Not counted in ClinVar's aggregate classification.

Dr. Peter K. Rogan Lab, Western University
No classification provided (evidence only). Condition: Ovarian serous cystadenocarcinoma. Review status: no classification provided. Collection method: in vitro. Allele origin: not applicable. Functional consequence: retained intron. Not counted in ClinVar's aggregate classification.

Dr. Peter K. Rogan Lab, Western University
No classification provided (evidence only). Condition: Gastric cancer. Review status: no classification provided. Collection method: in vitro. Allele origin: not applicable. Functional consequence: retained intron. Not counted in ClinVar's aggregate classification.

Dr. Peter K. Rogan Lab, Western University
No classification provided (evidence only). Condition: Gastric cancer. Review status: no classification provided. Collection method: in vitro. Allele origin: not applicable. Functional consequence: retained intron. Not counted in ClinVar's aggregate classification.

Dr. Peter K. Rogan Lab, Western University
No classification provided (evidence only). Condition: Gastric cancer. Review status: no classification provided. Collection method: in vitro. Allele origin: not applicable. Functional consequence: retained intron. Not counted in ClinVar's aggregate classification.

Dr. Peter K. Rogan Lab, Western University
No classification provided (evidence only). Condition: Gastric cancer. Review status: no classification provided. Collection method: in vitro. Allele origin: not applicable. Functional consequence: retained intron. Not counted in ClinVar's aggregate classification.

Dr. Peter K. Rogan Lab, Western University
No classification provided (evidence only). Condition: Adrenocortical carcinoma, hereditary. Review status: no classification provided. Collection method: in vitro. Allele origin: not applicable. Functional consequence: retained intron. Not counted in ClinVar's aggregate classification.

Dr. Peter K. Rogan Lab, Western University
No classification provided (evidence only). Condition: Uterine carcinosarcoma. Review status: no classification provided. Collection method: in vitro. Allele origin: not applicable. Functional consequence: retained intron. Not counted in ClinVar's aggregate classification.

Dr. Peter K. Rogan Lab, Western University
No classification provided (evidence only). Condition: Malignant tumor of esophagus. Review status: no classification provided. Collection method: in vitro. Allele origin: not applicable. Functional consequence: retained intron. Not counted in ClinVar's aggregate classification.

Dr. Peter K. Rogan Lab, Western University
No classification provided (evidence only). Condition: Nonpapillary renal cell carcinoma. Review status: no classification provided. Collection method: in vitro. Allele origin: not applicable. Functional consequence: retained intron. Not counted in ClinVar's aggregate classification.

Dr. Peter K. Rogan Lab, Western University
No classification provided (evidence only). Condition: Nonpapillary renal cell carcinoma. Review status: no classification provided. Collection method: in vitro. Allele origin: not applicable. Functional consequence: retained intron. Not counted in ClinVar's aggregate classification.

Dr. Peter K. Rogan Lab, Western University
No classification provided (evidence only). Condition: Nonpapillary renal cell carcinoma. Review status: no classification provided. Collection method: in vitro. Allele origin: not applicable. Functional consequence: retained intron. Not counted in ClinVar's aggregate classification.

Dr. Peter K. Rogan Lab, Western University
No classification provided (evidence only). Condition: Familial pancreatic carcinoma. Review status: no classification provided. Collection method: in vitro. Allele origin: not applicable. Functional consequence: retained intron. Not counted in ClinVar's aggregate classification.

Dr. Peter K. Rogan Lab, Western University
No classification provided (evidence only). Condition: Lymphoma. Review status: no classification provided. Collection method: in vitro. Allele origin: not applicable. Functional consequence: retained intron. Not counted in ClinVar's aggregate classification.

Dr. Peter K. Rogan Lab, Western University
No classification provided (evidence only). Condition: Lymphoma. Review status: no classification provided. Collection method: in vitro. Allele origin: not applicable. Functional consequence: retained intron. Not counted in ClinVar's aggregate classification.

Dr. Peter K. Rogan Lab, Western University
No classification provided (evidence only). Condition: Lymphoma. Review status: no classification provided. Collection method: in vitro. Allele origin: not applicable. Functional consequence: retained intron. Not counted in ClinVar's aggregate classification.

Dr. Peter K. Rogan Lab, Western University
No classification provided (evidence only). Condition: Lymphoma. Review status: no classification provided. Collection method: in vitro. Allele origin: not applicable. Functional consequence: retained intron. Not counted in ClinVar's aggregate classification.

Dr. Peter K. Rogan Lab, Western University
No classification provided (evidence only). Condition: Ovarian cancer. Review status: no classification provided. Collection method: in vitro. Allele origin: not applicable. Functional consequence: retained intron. Not counted in ClinVar's aggregate classification.

Dr. Peter K. Rogan Lab, Western University
No classification provided (evidence only). Condition: Ovarian cancer. Review status: no classification provided. Collection method: in vitro. Allele origin: not applicable. Functional consequence: retained intron. Not counted in ClinVar's aggregate classification.

Literature cited by the submitters: PubMed 16621965 (cited by Illumina Laboratory Services, Illumina).